The following is an entry in ClinVar:

NM_020987.5(ANK3):c.8423A>T (p.Asn2808Ile)

Gene: ANK3 (ankyrin 3; minus strand). Cytogenetic location: 10q21.2.
Variant type: single nucleotide variant.
Coding change: c.8423A>T on transcript NM_020987.5 (MANE Select); coding-DNA position 8423, A replaced by T.
Protein change: p.Asn2808Ile; replaces asparagine 2808 with isoleucine.
Molecular consequence: missense variant. On other transcripts: intron variant (4).
Genome position (GRCh38, 1-based): chr10:60,072,458, T>A on the plus strand (A>T on the coding strand, the complement: ANK3 is on the minus strand). VCF-style: chr10-60072458-T-A. GRCh37 (hg19) VCF-style: chr10-61832216-T-A.
Other names: c.4388-4449A>T (NM_001204403.2); c.4409-4449A>T (NM_001204404.2); c.4406-4449A>T (NM_001320874.2); c.1808-4449A>T (NM_001149.4); short protein forms N2808I.
Identifiers: ClinVar variation 5038977 (VCV005038977.1).

ClinVar aggregate classification (germline): Uncertain significance (1 of 4 stars; one submission).

gnomAD v4.1: 3 of 1,614,098 alleles (0.00019%); highest among the groups gnomAD compares: Non-Finnish European, 0.00025%; no homozygotes.

Submission:

CeGaT Center for Human Genetics Tuebingen
Classification: Uncertain significance. Last evaluated: 2026-08-01. Review status: criteria provided, single submitter. Criteria: CeGaT Center For Human Genetics Tuebingen Variant Classification Criteria Version 2. Collection method: clinical testing. Allele origin: germline. Affected: yes. Observed: 1 variant allele.
Comment: ANK3: PM2, BP4